The following is an entry in ClinVar:

ClinVar aggregate classification (germline): Benign/Likely benign. Review status: criteria provided, multiple submitters, no conflicts (2 of 4 stars). 4 submissions from 4 submitters: Benign (1); Likely benign (1). 2 of the submissions do not count toward it. Last evaluated 2025-12-29.

Conditions:
GALK1-related disorder. Also called: GALK1-related condition.
Deficiency of galactokinase. Also called: Galactokinase deficiency with cataracts; GALACTOSEMIA II. Identifiers: Orphanet 352, Orphanet 79237, MedGen C0268155, MONDO:0009255, OMIM 230200.

Allele frequency attached by ClinVar (database versions not stated): gnomAD exomes 0.00026 and 0.00067; ExAC 0.00093; 1000 Genomes Project 0.00200; 1000 Genomes Project 30x 0.00219; ESP Exome Variant Server 0.00271; gnomAD 0.00275 and 0.00297; TOPMed 0.00321.
gnomAD v4.1: 813 of 1,607,606 alleles (0.051%); highest among the groups gnomAD compares: African/African-American, 0.89%; 7 homozygotes.

Submissions (6):

Labcorp Genetics (formerly Invitae), Labcorp
Classification: Benign for Deficiency of galactokinase. Last evaluated: 2025-12-29. Review status: criteria provided, single submitter. Criteria: Invitae Variant Classification Sherloc (09022015). Collection method: clinical testing. Allele origin: germline.

Illumina Laboratory Services, Illumina
Classification: Likely benign for Deficiency of galactokinase. Last evaluated: 2018-01-13. Review status: criteria provided, single submitter. Criteria: ICSL Variant Classification Criteria 13 December 2019. Collection method: clinical testing. Allele origin: germline.
Comment: This variant was observed in the ICSL laboratory as part of a predisposition screen in an ostensibly healthy population. It had not been previously curated by ICSL or reported in the Human Gene Mutation Database (HGMD: prior to June 1st, 2018), and was therefore a candidate for classification through an automated scoring system. Utilizing variant allele frequency, disease prevalence and penetrance estimates, and inheritance mode, an automated score was calculated to assess if this variant is too frequent to cause the disease. Based on the score and internal cut-off values, a variant classified as likely benign is not then subjected to further curation. The score for this variant resulted in a classification of likely benign for this disease.

PreventionGenetics, part of Exact Sciences
Classification: Likely benign for GALK1-related condition. Last evaluated: 2020-07-24. Review status: no assertion criteria provided. Collection method: clinical testing. Allele origin: germline. Not counted in ClinVar's aggregate classification.
Comment: This variant is classified as likely benign based on ACMG/AMP sequence variant interpretation guidelines (Richards et al. 2015 PMID: 25741868, with internal and published modifications).

Natera, Inc.
Classification: Benign for Deficiency of galactokinase. Last evaluated: 2019-11-11. Review status: no assertion criteria provided. Collection method: clinical testing. Allele origin: germline. Not counted in ClinVar's aggregate classification.

Dr. Peter K. Rogan Lab, Western University
No classification provided (evidence only). Condition: Sarcoma. Review status: no classification provided. Collection method: in vitro. Allele origin: not applicable. Functional consequence: retained intron. Not counted in ClinVar's aggregate classification.

Dr. Peter K. Rogan Lab, Western University
No classification provided (evidence only). Condition: Sarcoma. Review status: no classification provided. Collection method: in vitro. Allele origin: not applicable. Functional consequence: skipped exon, retained intron. Not counted in ClinVar's aggregate classification.

NM_000154.2(GALK1):c.1107+5G>A

Gene: GALK1 (galactokinase 1; minus strand). Cytogenetic location: 17q25.1.
Variant type: single nucleotide variant.
Coding change: c.1107+5G>A on transcript NM_000154.2 (MANE Select); 5 bases into the intron after coding-DNA position 1107, G replaced by A.
Molecular consequence: intron variant.
Genome position (GRCh38, 1-based): chr17:75,758,205, C>T on the plus strand (G>A on the coding strand, the complement: GALK1 is on the minus strand). VCF-style: chr17-75758205-C-T. GRCh37 (hg19) VCF-style: chr17-73754286-C-T.
Identifiers: ClinVar variation 703008 (VCV000703008.22), dbSNP rs201663491, ClinGen allele CA8770738.